The following is an entry in ClinVar:

NM_005245.4(FAT1):c.213G>C (p.Arg71Ser)

Gene: FAT1 (FAT atypical cadherin 1; minus strand). Cytogenetic location: 4q35.2.
Variant type: single nucleotide variant.
Coding change: c.213G>C on transcript NM_005245.4 (MANE Select); coding-DNA position 213, G replaced by C.
Protein change: p.Arg71Ser; replaces arginine 71 with serine.
Molecular consequence: missense variant.
Genome position (GRCh38, 1-based): chr4:186,709,615, C>G on the plus strand (G>C on the coding strand, the complement: FAT1 is on the minus strand). VCF-style: chr4-186709615-C-G. GRCh37 (hg19) VCF-style: chr4-187630769-C-G.
Other names: c.213G>C (NM_005245.3); short protein forms R71S.
Identifiers: ClinVar variation 1380874 (VCV001380874.9), dbSNP rs764372245, ClinGen allele CA3167702.

ClinVar aggregate classification (germline): Uncertain significance. Review status: criteria provided, multiple submitters, no conflicts (2 of 4 stars). 2 submissions from 2 submitters: Uncertain significance (2). Last evaluated 2025-11-22.

Conditions:
FAT1-related disorder. Also called: FAT1-related condition.

Allele frequency attached by ClinVar (database versions not stated): gnomAD 0.00001; TOPMed 0.00001; ExAC 0.00002; gnomAD exomes 0.00002.
gnomAD v4.1: 27 of 1,613,964 alleles (0.0017%); highest among the groups gnomAD compares: Middle Eastern, 0.033%; 1 homozygote.

Submissions (2):

PreventionGenetics, part of Exact Sciences
Classification: Uncertain significance for FAT1-related condition. Last evaluated: 2025-11-22. Review status: criteria provided, single submitter. Criteria: ACMG Guidelines, 2015. Collection method: clinical testing. Allele origin: germline.
Comment: The FAT1 c.213G>C variant is predicted to result in the amino acid substitution p.Arg71Ser. To our knowledge, this variant has not been reported in the literature. This variant is reported in 0.0098% of alleles in individuals of South Asian descent in gnomAD. At this time, the clinical significance of this variant is uncertain due to the absence of conclusive functional and genetic evidence.

Labcorp Genetics (formerly Invitae), Labcorp
Classification: Uncertain significance. Last evaluated: 2022-08-15. Review status: criteria provided, single submitter. Criteria: Invitae Variant Classification Sherloc (09022015). Collection method: clinical testing. Allele origin: germline.
Comment: This variant is present in population databases (rs764372245, gnomAD 0.01%). This sequence change replaces arginine, which is basic and polar, with serine, which is neutral and polar, at codon 71 of the FAT1 protein (p.Arg71Ser). This variant has not been reported in the literature in individuals affected with FAT1-related conditions. ClinVar contains an entry for this variant (Variation ID: 1380874). Algorithms developed to predict the effect of missense changes on protein structure and function are either unavailable or do not agree on the potential impact of this missense change (SIFT: "Deleterious"; PolyPhen-2: "Benign"; Align-GVGD: "Class C35"). In summary, the available evidence is currently insufficient to determine the role of this variant in disease. Therefore, it has been classified as a Variant of Uncertain Significance.